The following is an entry in ClinVar:

ClinVar aggregate classification (germline): Uncertain significance (1 of 4 stars; one submission).

Submission:

Labcorp Genetics (formerly Invitae), Labcorp
Classification: Uncertain significance. Last evaluated: 2023-05-25. Review status: criteria provided, single submitter. Criteria: Invitae Variant Classification Sherloc (09022015). Collection method: clinical testing. Allele origin: germline.
Comment: In summary, the available evidence is currently insufficient to determine the role of this variant in disease. Therefore, it has been classified as a Variant of Uncertain Significance. Advanced modeling of protein sequence and biophysical properties (such as structural, functional, and spatial information, amino acid conservation, physicochemical variation, residue mobility, and thermodynamic stability) performed at Invitae indicates that this missense variant is not expected to disrupt RAI1 protein function. This variant has not been reported in the literature in individuals affected with RAI1-related conditions. This variant is not present in population databases (gnomAD no frequency). This sequence change replaces alanine, which is neutral and non-polar, with valine, which is neutral and non-polar, at codon 1010 of the RAI1 protein (p.Ala1010Val).

NM_030665.4(RAI1):c.3029C>T (p.Ala1010Val)

Gene: RAI1 (retinoic acid induced 1; plus strand). Cytogenetic location: 17p11.2.
Variant type: single nucleotide variant.
Coding change: c.3029C>T on transcript NM_030665.4 (MANE Select); coding-DNA position 3029, C replaced by T.
Protein change: p.Ala1010Val; replaces alanine 1010 with valine.
Molecular consequence: missense variant.
Genome position (GRCh38, 1-based): chr17:17,795,977, C>T. VCF-style: chr17-17795977-C-T. GRCh37 (hg19) VCF-style: chr17-17699291-C-T.
Other names: short protein forms A1010V.
Identifiers: ClinVar variation 2795636 (VCV002795636.3), dbSNP rs2508584732, ClinGen allele CA398552754.